The following is an entry in ClinVar:

NM_001283009.2(RTEL1):c.2393G>C (p.Ser798Thr)

Genes: RTEL1-TNFRSF6B (RTEL1-TNFRSF6B readthrough (NMD candidate); plus strand), RTEL1 (regulator of telomere elongation helicase 1; plus strand). Cytogenetic location: 20q13.33.
Variant type: single nucleotide variant.
Coding change: c.2393G>C on transcript NM_001283009.2 (MANE Select); coding-DNA position 2393, G replaced by C.
Protein change: p.Ser798Thr; replaces serine 798 with threonine.
Molecular consequence: missense variant. On other transcripts: non-coding transcript variant (1).
Genome position (GRCh38, 1-based): chr20:63,690,421, G>C. VCF-style: chr20-63690421-G-C. GRCh37 (hg19) VCF-style: chr20-62321774-G-C.
Other names: c.1724G>C, p.Ser575Thr (NM_001283010.1); c.2393G>C, p.Ser798Thr (NM_016434.4); c.2465G>C, p.Ser822Thr (NM_032957.5); short protein forms S798T, S575T, S822T.
Identifiers: ClinVar variation 2164619 (VCV002164619.5), dbSNP rs1450471050, ClinGen allele CA409681202.

ClinVar aggregate classification (germline): Uncertain significance. Review status: criteria provided, multiple submitters, no conflicts (2 of 4 stars). 2 submissions from 2 submitters: Uncertain significance (2). Last evaluated 2025-11-21.

Conditions:
Inborn genetic diseases. Identifiers: MedGen C0950123, MeSH D030342.
Pulmonary fibrosis and/or bone marrow failure, Telomere-related, 3. Also called: PULMONARY FIBROSIS AND/OR BONE MARROW FAILURE SYNDROME, TELOMERE-RELATED, 3. Identifiers: Orphanet 2032, MedGen C4225346, MONDO:0014613, OMIM 616373.
Dyskeratosis congenita, autosomal recessive 5 (DKCB5). Identifiers: MedGen C3554656, MONDO:0014076, OMIM 615190.

Allele frequency attached by ClinVar (database versions not stated): gnomAD exomes below 0.00001.
gnomAD v4.1: 1 of 1,569,026 alleles (0.000064%); highest among the groups gnomAD compares: East Asian, 0.0024%; no homozygotes.

Submissions (2):

Ambry Genetics
Classification: Uncertain significance for Inborn genetic diseases. Last evaluated: 2025-11-21. Review status: criteria provided, single submitter. Criteria: Ambry Variant Classification Scheme 2023. Collection method: clinical testing. Allele origin: germline.
Comment: The p.S798T variant (also known as c.2393G>C), located in coding exon 25 of the RTEL1 gene, results from a G to C substitution at nucleotide position 2393. The serine at codon 798 is replaced by threonine, an amino acid with similar properties. This amino acid position is conserved. In addition, this alteration is predicted to be tolerated by in silico analysis. Based on the available evidence, the clinical significance of this variant remains unclear.

Labcorp Genetics (formerly Invitae), Labcorp
Classification: Uncertain significance for Dyskeratosis congenita, autosomal recessive 5; Pulmonary fibrosis and/or bone marrow failure, Telomere-related, 3. Last evaluated: 2021-12-28. Review status: criteria provided, single submitter. Criteria: Invitae Variant Classification Sherloc (09022015). Collection method: clinical testing. Allele origin: germline.
Comment: In summary, the available evidence is currently insufficient to determine the role of this variant in disease. Therefore, it has been classified as a Variant of Uncertain Significance. Algorithms developed to predict the effect of missense changes on protein structure and function are either unavailable or do not agree on the potential impact of this missense change (SIFT: "Tolerated"; PolyPhen-2: "Probably Damaging"; Align-GVGD: "Class C0"). This variant has not been reported in the literature in individuals affected with RTEL1-related conditions. This variant is present in population databases (no rsID available, gnomAD 0.006%). This sequence change replaces serine, which is neutral and polar, with threonine, which is neutral and polar, at codon 798 of the RTEL1 protein (p.Ser798Thr).